The following is an entry in ClinVar:

NM_000528.4(MAN2B1):c.2133dup (p.Leu712fs)

Gene: MAN2B1 (mannosidase alpha class 2B member 1; minus strand). Cytogenetic location: 19p13.13.
Variant type: Duplication.
Coding change: c.2133dup on transcript NM_000528.4 (MANE Select); coding-DNA position 2133, one base duplicated (G; older notation c.2133dupG).
Protein change: p.Leu712fs; shifts the reading frame from leucine 712.
Molecular consequence: frameshift variant.
Genome position (GRCh38, 1-based): chr19:12,650,136, C duplicated on the plus strand (G on the coding strand, the reverse complement: MAN2B1 is on the minus strand). VCF-style (leftmost placement, unchanged base first): chr19-12650135-G-GC. GRCh37 (hg19) VCF-style: chr19-12760949-G-GC.
Other names: c.2130dup, p.Leu711fs (NM_001173498.2); c.2136dup, p.Leu713fs (NM_001440570.1); short protein forms L711fs, L712fs, L713fs.
Identifiers: ClinVar variation 5012163 (VCV005012163.1).

ClinVar aggregate classification (germline): Pathogenic (1 of 4 stars; one submission).

Conditions:
Deficiency of alpha-mannosidase (MANSA). Also called: LYSOSOMAL ALPHA-D-MANNOSIDASE DEFICIENCY; Alpha-Mannosidosis; Mannosidosis, alpha-, types I and II. Identifiers: Orphanet 61, MedGen C0024748, MONDO:0009561, OMIM 248500.

Submission:

Myriad Genetics, Inc.
Classification: Pathogenic for Deficiency of alpha-mannosidase. Last evaluated: 2023-09-27. Review status: criteria provided, single submitter. Criteria: Myriad Autosomal Dominant, Autosomal Recessive and X-Linked Classification Criteria (2023). Collection method: clinical testing. Allele origin: unknown.
Comment: NM_000528.3(MAN2B1):c.2133dupG(L712Afs*23) is expected to be pathogenic in the context of alpha-mannosidosis. This variant is predicted to lead to an abnormal or absent protein product due to the creation of a premature termination codon in MAN2B1, a gene where loss-of-function variants are known to be pathogenic. Please note: this variant was assessed in the context of healthy population screening.